The following is an entry in ClinVar:

NM_181672.3(OGT):c.19A>C (p.Asn7His)

Genes: OGT (O-linked N-acetylglucosamine (GlcNAc) transferase; plus strand), LOC126863277 (MED14-independent group 3 enhancer GRCh37_chrX:70752005-70753204; plus strand). Cytogenetic location: Xq13.1.
Variant type: single nucleotide variant.
Coding change: c.19A>C on transcript NM_181672.3 (MANE Select); coding-DNA position 19, A replaced by C.
Protein change: p.Asn7His; replaces asparagine 7 with histidine.
Molecular consequence: missense variant.
Genome position (GRCh38, 1-based): chrX:71,533,318, A>C. VCF-style: chrX-71533318-A-C. GRCh37 (hg19) VCF-style: chrX-70753168-A-C.
Other names: c.19A>C, p.Asn7His (NM_181673.3); short protein forms N7H.
Identifiers: ClinVar variation 2759272 (VCV002759272.3), dbSNP rs2522812385, ClinGen allele CA413532789.

ClinVar aggregate classification (germline): Uncertain significance (1 of 4 stars; one submission).

Submission:

Labcorp Genetics (formerly Invitae), Labcorp
Classification: Uncertain significance. Last evaluated: 2023-11-27. Review status: criteria provided, single submitter. Criteria: Invitae Variant Classification Sherloc (09022015). Collection method: clinical testing. Allele origin: germline.
Comment: This sequence change replaces asparagine, which is neutral and polar, with histidine, which is basic and polar, at codon 7 of the OGT protein (p.Asn7His). This variant is not present in population databases (gnomAD no frequency). This variant has not been reported in the literature in individuals affected with OGT-related conditions. An algorithm developed to predict the effect of missense changes on protein structure and function (PolyPhen-2) suggests that this variant is likely to be tolerated. In summary, the available evidence is currently insufficient to determine the role of this variant in disease. Therefore, it has been classified as a Variant of Uncertain Significance.